The following is an entry in ClinVar:

ClinVar aggregate classification (germline): Uncertain significance (1 of 4 stars; one submission).

gnomAD v4.1: 76 of 1,599,520 alleles (0.0048%); highest among the groups gnomAD compares: South Asian, 0.019%; no homozygotes.

Submission:

Ambry Genetics
Classification: Uncertain significance. Last evaluated: 2024-11-25. Review status: criteria provided, single submitter. Criteria: Ambry Variant Classification Scheme 2023. Collection method: clinical testing. Allele origin: germline.
Comment: The p.A1468T variant (also known as c.4402G>A), located in coding exon 19 of the WNK2 gene, results from a G to A substitution at nucleotide position 4402. The alanine at codon 1468 is replaced by threonine, an amino acid with similar properties. This amino acid position is conserved. In addition, this alteration is predicted to be tolerated by in silico analysis. Based on the available evidence, the clinical significance of this variant remains unclear.

NM_006648.4(WNK2):c.4402G>A (p.Ala1468Thr)

Gene: WNK2 (WNK lysine deficient protein kinase 2; plus strand). Cytogenetic location: 9q22.31.
Variant type: single nucleotide variant.
Coding change: c.4402G>A on transcript NM_006648.4 (MANE Select); coding-DNA position 4402, G replaced by A.
Protein change: p.Ala1468Thr; replaces alanine 1468 with threonine.
Molecular consequence: missense variant.
Genome position (GRCh38, 1-based): chr9:93,289,156, G>A. VCF-style: chr9-93289156-G-A. GRCh37 (hg19) VCF-style: chr9-96051438-G-A.
Other names: c.4513G>A, p.Ala1505Thr (NM_001282394.3); short protein forms A1505T, A1468T.
Identifiers: ClinVar variation 3470409 (VCV003470409.1).